The following is an entry in ClinVar:

ClinVar aggregate classification (germline): Uncertain significance (1 of 4 stars; one submission).

Conditions:
Familial pulmonary capillary hemangiomatosis (PVOD2). Also called: Pulmonary venoocclusive disease 2; Pulmonary venoocclusive disease 2, autosomal recessive. Identifiers: Orphanet 199241, MedGen C0340848, MONDO:0009329, OMIM 234810.

gnomAD v4.1: 23 of 1,611,156 alleles (0.0014%); highest among the groups gnomAD compares: Middle Eastern, 0.033%; no homozygotes.

Submission:

ARUP Laboratories, Molecular Genetics and Genomics, ARUP Laboratories
Classification: Uncertain significance for Familial pulmonary capillary hemangiomatosis. Last evaluated: 2025-06-19. Review status: criteria provided, single submitter. Criteria: ARUP Molecular Germline Variant Investigation Process 2024. Collection method: clinical testing. Allele origin: germline.
Comment: The EIF2AK4 c.719G>A; p.Arg240Gln variant (rs375306216) is reported in the literature in an individual with pulmonary arterial hypertension who also carried another variant in a gene associated with the condition (Yang 2018). This variant is observed in the South Asian population with an allele frequency of 0.013% (4/29702 alleles) in the Genome Aggregation Database (v2.1.1). Computational analyses are uncertain whether this variant is neutral or deleterious (REVEL: 0.225). Due to limited information, the clinical significance of this variant is uncertain at this time. References: Yang H et al. Genetic analyses in a cohort of 191 pulmonary arterial hypertension patients. Respir Res. 2018 May 9;19(1):87. PMID: 29743074.

NM_001013703.4(EIF2AK4):c.719G>A (p.Arg240Gln)

Gene: EIF2AK4 (eukaryotic translation initiation factor 2 alpha kinase 4; plus strand). Cytogenetic location: 15q15.1.
Variant type: single nucleotide variant.
Coding change: c.719G>A on transcript NM_001013703.4 (MANE Select); coding-DNA position 719, G replaced by A.
Protein change: p.Arg240Gln; replaces arginine 240 with glutamine.
Molecular consequence: missense variant.
Genome position (GRCh38, 1-based): chr15:39,955,744, G>A. VCF-style: chr15-39955744-G-A. GRCh37 (hg19) VCF-style: chr15-40247945-G-A.
Other names: short protein forms R240Q.
Identifiers: ClinVar variation 4685902 (VCV004685902.1).